The following is an entry in ClinVar:

NM_000496.3(CRYBB2):c.478C>T (p.Arg160Cys)

Gene: CRYBB2 (crystallin beta B2; plus strand). Cytogenetic location: 22q11.23.
Variant type: single nucleotide variant.
Coding change: c.478C>T on transcript NM_000496.3 (MANE Select); coding-DNA position 478, C replaced by T.
Protein change: p.Arg160Cys; replaces arginine 160 with cysteine.
Molecular consequence: missense variant.
Genome position (GRCh38, 1-based): chr22:25,231,632, C>T. VCF-style: chr22-25231632-C-T. GRCh37 (hg19) VCF-style: chr22-25627599-C-T.
Other names: c.478C>T (NM_000496.2); short protein forms R160C.
Identifiers: ClinVar variation 3601984 (VCV003601984.2).
Genomic context (GRCh38, chr22:25,231,632, plus strand): 5'-CGTTCACCCTCCCATCACCTCTGGCCCTGCAGGTGGGTTGGCTACCAGTACCCCGGCTAC[C>T]GTGGGCTGCAGTACCTGCTGGAGAAGGGAGACTACAAGGACAGCAGCGACTTTGGGGCCC-3'
Protein context (NP_000487.1, residues 150-170): TWVGYQYPGY[Arg160Cys]GLQYLLEKGD

ClinVar aggregate classification (germline): Uncertain significance. Review status: criteria provided, multiple submitters, no conflicts (2 of 4 stars). 2 submissions from 2 submitters: Uncertain significance (2). Last evaluated 2026-02-10.

Conditions:
Cataract 3 multiple types. Also called: CATARACT 3, MULTIPLE TYPES, WITH OR WITHOUT MICROCORNEA. Identifiers: Orphanet 1377, MedGen C1832175, MONDO:0011104, OMIM 601547.
CRYBB2-related disorder. Also called: CRYBB2-related condition.

gnomAD v4.1: 7 of 1,614,044 alleles (0.00043%); highest among the groups gnomAD compares: African/African-American, 0.004%; no homozygotes.

Submissions (2):

PreventionGenetics, part of Exact Sciences
Classification: Uncertain significance for CRYBB2-related condition. Last evaluated: 2026-02-10. Review status: criteria provided, single submitter. Criteria: ACMG Guidelines, 2015. Collection method: clinical testing. Allele origin: germline.
Comment: The CRYBB2 c.478C>T variant is predicted to result in the amino acid substitution p.Arg160Cys. To our knowledge, this variant has not been reported in the literature. This variant is absent in a large population database (gnomAD), indicating this variant is rare. At this time, the clinical significance of this variant is uncertain due to the absence of conclusive functional and genetic evidence.

MVZ Medizinische Genetik Mainz
Classification: Uncertain significance for Cataract 3 multiple types. Last evaluated: 2025-01-02. Review status: criteria provided, single submitter. Criteria: UK Practice Guidelines For Variant Classification V4 01 2020. Collection method: clinical testing. Allele origin: germline. Inheritance: Autosomal dominant inheritance. Affected: yes. Observed: 1 variant allele.
Comment: ACMG Criteria: PM1,PS4_SUP,PM2_SUP,PP3